The following is an entry in ClinVar:

ClinVar aggregate classification (germline): Uncertain significance (1 of 4 stars; one submission).

Conditions:
Zellweger spectrum disorders (ZS). Also called: Zellweger Spectrum Disorder (ZSD); Zellweger Spectrum Disorder; Zellweger Spectrum; Zellweger syndrome. Identifiers: Orphanet 912, MedGen C0043459, MONDO:0019609.

Allele frequency attached by ClinVar (database versions not stated): gnomAD exomes below 0.00001.
gnomAD v4.1: 2 of 1,592,258 alleles (0.00013%); highest among the groups gnomAD compares: Non-Finnish European, 0.000085%; no homozygotes.

Submission:

Labcorp Genetics (formerly Invitae), Labcorp
Classification: Uncertain significance for Zellweger spectrum disorders. Last evaluated: 2023-04-07. Review status: criteria provided, single submitter. Criteria: Invitae Variant Classification Sherloc (09022015). Collection method: clinical testing. Allele origin: germline.
Comment: ClinVar contains an entry for this variant (Variation ID: 2158059). In summary, the available evidence is currently insufficient to determine the role of this variant in disease. Therefore, it has been classified as a Variant of Uncertain Significance. Advanced modeling of protein sequence and biophysical properties (such as structural, functional, and spatial information, amino acid conservation, physicochemical variation, residue mobility, and thermodynamic stability) performed at Invitae indicates that this missense variant is not expected to disrupt PEX1 protein function. This variant has not been reported in the literature in individuals affected with PEX1-related conditions. This variant is not present in population databases (gnomAD no frequency). This sequence change replaces methionine, which is neutral and non-polar, with leucine, which is neutral and non-polar, at codon 248 of the PEX1 protein (p.Met248Leu).

NM_000466.3(PEX1):c.742A>C (p.Met248Leu)

Gene: PEX1 (peroxisomal biogenesis factor 1; minus strand). Cytogenetic location: 7q21.2.
Variant type: single nucleotide variant.
Coding change: c.742A>C on transcript NM_000466.3 (MANE Select); coding-DNA position 742, A replaced by C.
Protein change: p.Met248Leu; replaces methionine 248 with leucine.
Molecular consequence: missense variant.
Genome position (GRCh38, 1-based): chr7:92,517,773, T>G on the plus strand (A>C on the coding strand, the complement: PEX1 is on the minus strand). VCF-style: chr7-92517773-T-G. GRCh37 (hg19) VCF-style: chr7-92147087-T-G.
Other names: c.742A>C, p.Met248Leu (NM_001282677.2); c.118A>C, p.Met40Leu (NM_001282678.2); short protein forms M40L, M248L.
Identifiers: ClinVar variation 2158059 (VCV002158059.4), dbSNP rs1792867080, ClinGen allele CA368200179.